The following is an entry in ClinVar:

NM_176869.3(PPA2):c.9GCTGCTGCG[3] (p.4LLR[3])

Gene: PPA2 (inorganic pyrophosphatase 2; minus strand). Cytogenetic location: 4q24.
Variant type: Microsatellite.
Coding change: c.9GCTGCTGCG[3] on transcript NM_176869.3 (MANE Select); three copies in a row of the 9-base unit GCTGCTGCG starting at c.9; the reference has two copies in a row; one copy, 9 bases duplicated.
Protein change: p.4LLR[3].
Molecular consequence: inframe insertion.
Genome position (GRCh38, 1-based): chr4:105,474,025-105,474,033, CGCAGCAGC duplicated on the plus strand (GCTGCTGCG on the coding strand, the reverse complement: PPA2 is on the minus strand); duplicating any 9 consecutive bases within chr4:105,474,025-105,474,042 gives the same sequence; the position shown is the placement nearest the transcript's 3' end. VCF-style (leftmost placement, unchanged base first): chr4-105474024-G-GCGCAGCAGC. GRCh37 (hg19) VCF-style: chr4-106395181-G-GCGCAGCAGC.
Other names: c.9GCTGCTGCG[3], p.4LLR[3] (NM_006903.4, NM_176866.2, NM_176867.3).
Identifiers: ClinVar variation 1284749 (VCV001284749.9), dbSNP rs1560650457, ClinGen allele CA554051846.

ClinVar aggregate classification (germline): Uncertain significance. Review status: criteria provided, multiple submitters, no conflicts (2 of 4 stars). 4 submissions from 4 submitters: Uncertain significance (2). 2 of the submissions do not count toward it. Last evaluated 2024-07-02.

Submissions (4):

Blueprint Genetics
Classification: Uncertain significance. Last evaluated: 2024-07-02. Review status: criteria provided, single submitter. Criteria: ACMG Guidelines, 2015. Collection method: clinical testing. Allele origin: germline.

Labcorp Genetics (formerly Invitae), Labcorp
Classification: Uncertain significance. Last evaluated: 2022-09-23. Review status: criteria provided, single submitter. Criteria: Invitae Variant Classification Sherloc (09022015). Collection method: clinical testing. Allele origin: germline.
Comment: This variant, c.18_26dup, results in the insertion of 3 amino acid(s) of the PPA2 protein (p.Leu7_Arg9dup), but otherwise preserves the integrity of the reading frame. This variant is present in population databases (no rsID available, gnomAD 0.01%). This variant has not been reported in the literature in individuals affected with PPA2-related conditions. Experimental studies and prediction algorithms are not available or were not evaluated, and the functional significance of this variant is currently unknown. In summary, the available evidence is currently insufficient to determine the role of this variant in disease. Therefore, it has been classified as a Variant of Uncertain Significance.

Clinical Genetics DNA and cytogenetics Diagnostics Lab, Erasmus MC, Erasmus Medical Center
Classification: Uncertain significance. Review status: no assertion criteria provided. Collection method: clinical testing. Allele origin: germline. Affected: yes. Study: VKGL Data-share Consensus. Not counted in ClinVar's aggregate classification.

Clinical Genetics, Academic Medical Center
Classification: Uncertain significance. Review status: no assertion criteria provided. Collection method: clinical testing. Allele origin: germline. Affected: yes. Study: VKGL Data-share Consensus. Not counted in ClinVar's aggregate classification.